The following is an entry in ClinVar:

ClinVar aggregate classification (germline): Pathogenic (1 of 4 stars; one submission).

Conditions:
Fanconi anemia (FA). Also called: Fanconi's anemia. Identifiers: Orphanet 84, MedGen C0015625, MeSH D005199, MONDO:0019391.

Submission:

Labcorp Genetics (formerly Invitae), Labcorp
Classification: Pathogenic for Fanconi anemia. Last evaluated: 2022-07-12. Review status: criteria provided, single submitter. Criteria: Invitae Variant Classification Sherloc (09022015). Collection method: clinical testing. Allele origin: germline.
Comment: This sequence change creates a premature translational stop signal (p.Pro220Hisfs*11) in the FANCL gene. It is expected to result in an absent or disrupted protein product. Loss-of-function variants in FANCL are known to be pathogenic (PMID: 19405097, 23613520). This variant is present in population databases (no rsID available, gnomAD 0.0009%). This variant has not been reported in the literature in individuals affected with FANCL-related conditions. For these reasons, this variant has been classified as Pathogenic.

Literature cited by the submitters: PubMed 19405097; PubMed 23613520.

NM_018062.4(FANCL):c.659del (p.Pro220fs)

Gene: FANCL (FA complementation group L; minus strand). Cytogenetic location: 2p16.1.
Variant type: Deletion.
Coding change: c.659del on transcript NM_018062.4 (MANE Select); coding-DNA position 659, one base deleted (C; older notation c.659delC).
Protein change: p.Pro220fs; shifts the reading frame from proline 220.
Molecular consequence: frameshift variant.
Genome position (GRCh38, 1-based): chr2:58,165,756, G deleted on the plus strand (C on the coding strand, the reverse complement: FANCL is on the minus strand); the first of 2 consecutive G bases (chr2:58,165,756-58,165,757); deleting either gives the same sequence. VCF-style (leftmost placement, unchanged base first): chr2-58165755-TG-T. GRCh37 (hg19) VCF-style: chr2-58392890-TG-T.
Other names: c.673delC, p.Pro225Hisfs (NM_001114636.2); c.704del, p.Pro235fs (NM_001374615.1); c.719del, p.Pro240fs (NM_001410792.1); short protein forms P220fs, P225fs, P235fs, P240fs.
Identifiers: ClinVar variation 2194529 (VCV002194529.4), dbSNP rs1204245665, ClinGen allele CA533179986.